The following is an entry in ClinVar:

ClinVar aggregate classification (germline): Uncertain significance (1 of 4 stars; one submission).

Conditions:
Pyridoxine-dependent epilepsy (EPEO4). Also called: PYRIDOXINE DEPENDENCY WITH SEIZURES; Pyridoxine-Dependent Seizures; Pyridoxine-Dependent Epilepsy - ALDH7A1; EPILEPSY, EARLY-ONSET, 4, VITAMIN B6-DEPENDENT. Identifiers: Orphanet 3006, MedGen C1849508, MONDO:0009945, OMIM 266100. Disease mechanism: loss of function.

Allele frequency attached by ClinVar (database versions not stated): gnomAD 0.00001.
gnomAD v4.1: 1 of 1,614,100 alleles (0.000062%); highest among the groups gnomAD compares: African/African-American, 0.0013%; no homozygotes.

Submission:

Labcorp Genetics (formerly Invitae), Labcorp
Classification: Uncertain significance for Pyridoxine-dependent epilepsy. Last evaluated: 2025-01-28. Review status: criteria provided, single submitter. Criteria: Invitae Variant Classification Sherloc (09022015). Collection method: clinical testing. Allele origin: germline.
Comment: This sequence change replaces valine, which is neutral and non-polar, with alanine, which is neutral and non-polar, at codon 198 of the ALDH7A1 protein (p.Val198Ala). This variant is present in population databases (no rsID available, gnomAD 0.01%). This variant has not been reported in the literature in individuals affected with ALDH7A1-related conditions. ClinVar contains an entry for this variant (Variation ID: 1905191). An algorithm developed to predict the effect of missense changes on protein structure and function outputs the following: PolyPhen-2: "Benign". The alanine amino acid residue is found in multiple mammalian species, which suggests that this missense change does not adversely affect protein function. In summary, the available evidence is currently insufficient to determine the role of this variant in disease. Therefore, it has been classified as a Variant of Uncertain Significance.

NM_001182.5(ALDH7A1):c.593T>C (p.Val198Ala)

Gene: ALDH7A1 (aldehyde dehydrogenase 7 family member A1; minus strand). Cytogenetic location: 5q23.2.
Variant type: single nucleotide variant.
Coding change: c.593T>C on transcript NM_001182.5 (MANE Select); coding-DNA position 593, T replaced by C.
Protein change: p.Val198Ala; replaces valine 198 with alanine.
Molecular consequence: missense variant.
Genome position (GRCh38, 1-based): chr5:126,577,136, A>G on the plus strand (T>C on the coding strand, the complement: ALDH7A1 is on the minus strand). VCF-style: chr5-126577136-A-G. GRCh37 (hg19) VCF-style: chr5-125912828-A-G.
Other names: c.509T>C, p.Val170Ala (NM_001201377.2); c.593T>C, p.Val198Ala (NM_001202404.2); short protein forms V198A, V170A.
Identifiers: ClinVar variation 1905191 (VCV001905191.4), dbSNP rs1184121644, ClinGen allele CA360731097.